The following is an entry in ClinVar:

NM_001943.5(DSG2):c.3226G>T (p.Val1076Leu)

Genes: DSG2 (desmoglein 2; plus strand), DSG2-AS1 (DSG2 antisense RNA 1; minus strand). Cytogenetic location: 18q12.1.
Variant type: single nucleotide variant.
Coding change: c.3226G>T on transcript NM_001943.5 (MANE Select); coding-DNA position 3226, G replaced by T.
Protein change: p.Val1076Leu; replaces valine 1076 with leucine.
Molecular consequence: missense variant.
Genome position (GRCh38, 1-based): chr18:31,546,612, G>T. VCF-style: chr18-31546612-G-T. GRCh37 (hg19) VCF-style: chr18-29126575-G-T.
Other names: short protein forms V1076L.
Identifiers: ClinVar variation 919861 (VCV000919861.11), dbSNP rs761545577, ClinGen allele CA048142.

ClinVar aggregate classification (germline): Uncertain significance. Review status: criteria provided, multiple submitters, no conflicts (2 of 4 stars). 2 submissions from 2 submitters: Uncertain significance (2). Last evaluated 2024-05-15.

Conditions:
Arrhythmogenic right ventricular dysplasia 10. Also called: Arrhythmogenic Right Ventricular Dysplasia/Cardiomyopathy10; ARRHYTHMOGENIC RIGHT VENTRICULAR DYSPLASIA, FAMILIAL, 10; Arrhythmogenic right ventricular dysplasia/cardiomyopathy, type 10. Identifiers: MedGen C1857777, MONDO:0012434, OMIM 610193.
Cardiomyopathy (CMYO). Also called: Cardiomyopathies. Identifiers: Orphanet 167848, MedGen C0878544, MONDO:0004994, HP:0001638. Inheritance: Various modes of inheritance.

Allele frequency attached by ClinVar (database versions not stated): gnomAD below 0.00001 and 0.00001.
gnomAD v4.1: 21 of 1,614,090 alleles (0.0013%); highest among the groups gnomAD compares: South Asian, 0.023%; no homozygotes.

Submissions (2):

Labcorp Genetics (formerly Invitae), Labcorp
Classification: Uncertain significance for Arrhythmogenic right ventricular dysplasia 10. Last evaluated: 2024-05-15. Review status: criteria provided, single submitter. Criteria: Invitae Variant Classification Sherloc (09022015). Collection method: clinical testing. Allele origin: germline.
Comment: This sequence change replaces valine, which is neutral and non-polar, with leucine, which is neutral and non-polar, at codon 1076 of the DSG2 protein (p.Val1076Leu). This variant is present in population databases (rs761545577, gnomAD 0.02%). This variant has not been reported in the literature in individuals affected with DSG2-related conditions. ClinVar contains an entry for this variant (Variation ID: 919861). Advanced modeling of protein sequence and biophysical properties (such as structural, functional, and spatial information, amino acid conservation, physicochemical variation, residue mobility, and thermodynamic stability) performed at Invitae indicates that this missense variant is not expected to disrupt DSG2 protein function with a negative predictive value of 95%. In summary, the available evidence is currently insufficient to determine the role of this variant in disease. Therefore, it has been classified as a Variant of Uncertain Significance.

Color Diagnostics, LLC DBA Color Health
Classification: Uncertain significance for Cardiomyopathy. Last evaluated: 2024-03-06. Review status: criteria provided, single submitter. Criteria: ACMG Guidelines, 2015. Collection method: clinical testing. Allele origin: germline.
Comment: This missense variant replaces valine with leucine at codon 1076 of the DSG2 protein. Computational prediction tool suggests that this variant may not impact protein structure and function (internally defined REVEL score threshold <=0.5, PMID: 27666373). Splice site prediction tools suggest that this variant may not impact RNA splicing. To our knowledge, functional studies have not been performed for this variant. This variant has not been reported in individuals affected with cardiovascular disorders in the literature. This variant has been identified in 5/249384 chromosomes in the general population by the Genome Aggregation Database (gnomAD). The available evidence is insufficient to determine the role of this variant in disease conclusively. Therefore, this variant is classified as a Variant of Uncertain Significance.